The following is an entry in ClinVar:

NM_004168.4(SDHA):c.456+8G>A

Gene: SDHA (succinate dehydrogenase complex flavoprotein subunit A; plus strand). Cytogenetic location: 5p15.33.
Variant type: single nucleotide variant.
Coding change: c.456+8G>A on transcript NM_004168.4 (MANE Select); 8 bases into the intron after coding-DNA position 456, G replaced by A.
Molecular consequence: intron variant.
Genome position (GRCh38, 1-based): chr5:225,570, G>A. VCF-style: chr5-225570-G-A. GRCh37 (hg19) VCF-style: chr5-225685-G-A.
Other names: c.456+8G>A (NM_004168.3, NM_001330758.2); c.313-313G>A (NM_001294332.2).
Identifiers: ClinVar variation 1632707 (VCV001632707.15), dbSNP rs2126547879, ClinGen allele CA2573138538.

ClinVar aggregate classification (germline): Conflicting classifications of pathogenicity. Review status: criteria provided, conflicting classifications (1 of 4 stars). 3 submissions from 3 submitters: Uncertain significance (1); Likely benign (2). Last evaluated 2025-08-02.

Conditions:
Pheochromocytoma/paraganglioma syndrome 5. Also called: Paragangliomas 5; SDHA-Related Hereditary Paraganglioma-Pheochromocytoma Syndrome. Identifiers: Orphanet 29072, MedGen C3279992, MONDO:0013602, OMIM 614165.
Mitochondrial complex II deficiency, nuclear type 1. Also called: SUCCINATE CoQ REDUCTASE DEFICIENCY. Identifiers: Orphanet 3208, MedGen C5700310, MONDO:0100294, OMIM 252011.

gnomAD v4.1: 1 of 1,613,888 alleles (0.000062%); no homozygotes.

Submissions (3):

Labcorp Genetics (formerly Invitae), Labcorp
Classification: Likely benign for Pheochromocytoma/paraganglioma syndrome 5; Mitochondrial complex II deficiency, nuclear type 1. Last evaluated: 2025-08-02. Review status: criteria provided, single submitter. Criteria: Invitae Variant Classification Sherloc (09022015). Collection method: clinical testing. Allele origin: germline.

Myriad Genetics, Inc.
Classification: Likely benign for Pheochromocytoma/paraganglioma syndrome 5. Last evaluated: 2025-02-28. Review status: criteria provided, single submitter. Criteria: Myriad Autosomal Dominant, Autosomal Recessive and X-Linked Classification Criteria (2023). Collection method: clinical testing. Allele origin: unknown.
Comment: This variant is considered likely benign. This variant is intronic and is not expected to impact mRNA splicing.

Quest Diagnostics Nichols Institute San Juan Capistrano
Classification: Uncertain significance. Last evaluated: 2023-08-11. Review status: criteria provided, single submitter. Criteria: Quest Diagnostics criteria. Collection method: clinical testing. Allele origin: unknown.
Comment: To the best of our knowledge, this variant has not been reported in individuals with SDHA-related conditions in the published literature. It also has not been reported in large, multi-ethnic general populations (Genome Aggregation Database). Analysis of this variant using software algorithms for the prediction of the effect of nucleotide changes on splicing yielded predictions that this variant does not affect SDHA mRNA splicing . Based on the available information, we are unable to determine the clinical significance of this variant.